The following is an entry in ClinVar:

ClinVar aggregate classification (germline): Conflicting classifications of pathogenicity. Review status: criteria provided, conflicting classifications (1 of 4 stars). 3 submissions from 3 submitters: Uncertain significance (1); Likely benign (2). Last evaluated 2025-10-28.

Conditions:
Inborn genetic diseases. Identifiers: MedGen C0950123, MeSH D030342.

Allele frequency attached by ClinVar (database versions not stated): ExAC 0.00010; ESP Exome Variant Server 0.00046.
gnomAD v4.1: 109 of 1,614,162 alleles (0.0068%); highest among the groups gnomAD compares: African/African-American, 0.1%; no homozygotes.

Submissions (3):

Women's Health and Genetics/Laboratory Corporation of America, LabCorp
Classification: Uncertain significance. Last evaluated: 2025-10-28. Review status: criteria provided, single submitter. Criteria: LabCorp Variant Classification Summary - May 2015. Collection method: clinical testing. Allele origin: germline.
Comment: Variant summary: SRCAP c.5257C>G (p.Pro1753Ala) results in a non-conservative amino acid change in the encoded protein sequence. Algorithms developed to predict the effect of missense changes on protein structure and function are either unavailable or do not agree on the potential impact of this missense change. The variant allele was found at a frequency of 9.6e-05 in 250124 control chromosomes. This frequency is not significantly higher than estimated for disease-causing variants in SRCAP, allowing no conclusion about variant significance. To our knowledge, no occurrence of c.5257C>G in individuals affected with SRCAP-related conditions and no experimental evidence demonstrating its impact on protein function have been reported. ClinVar contains an entry for this variant (Variation ID: 1674807). Based on the evidence outlined above, the variant was classified as uncertain significance.

Labcorp Genetics (formerly Invitae), Labcorp
Classification: Likely benign. Last evaluated: 2025-09-09. Review status: criteria provided, single submitter. Criteria: Invitae Variant Classification Sherloc (09022015). Collection method: clinical testing. Allele origin: germline.

Ambry Genetics
Classification: Likely benign for Inborn genetic diseases. Last evaluated: 2022-01-03. Review status: criteria provided, single submitter. Criteria: Ambry Variant Classification Scheme 2023. Collection method: clinical testing. Allele origin: germline.

NM_006662.3(SRCAP):c.5257C>G (p.Pro1753Ala)

Gene: SRCAP (Snf2 related CREBBP activator protein; plus strand). Cytogenetic location: 16p11.2.
Variant type: single nucleotide variant.
Coding change: c.5257C>G on transcript NM_006662.3 (MANE Select); coding-DNA position 5257, C replaced by G.
Protein change: p.Pro1753Ala; replaces proline 1753 with alanine.
Molecular consequence: missense variant.
Genome position (GRCh38, 1-based): chr16:30,724,681, C>G. VCF-style: chr16-30724681-C-G. GRCh37 (hg19) VCF-style: chr16-30736002-C-G.
Other names: c.5257C>G (NM_006662.2); short protein forms P1753A.
Identifiers: ClinVar variation 1674807 (VCV001674807.10), dbSNP rs141977752, ClinGen allele CA8011931.